The following is an entry in ClinVar:

ClinVar aggregate classification (germline): Uncertain significance (1 of 4 stars; one submission).

Conditions:
Hereditary spherocytosis type 2. Also called: SPHEROCYTOSIS, TYPE 2, AUTOSOMAL DOMINANT. Identifiers: Orphanet 822, MedGen C2674219, MONDO:0000913, OMIM 616649.

Submission:

Victorian Clinical Genetics Services, Murdoch Childrens Research Institute
Classification: Uncertain significance for Hereditary spherocytosis type 2. Last evaluated: 2025-02-21. Review status: criteria provided, single submitter. Criteria: ACMG Guidelines, 2015. Collection method: clinical testing. Allele origin: germline. Affected: yes.
Comment: This variant is classified as VUS-3B. Evidence in support of pathogenic classification: Variant is present in gnomAD <0.01 (v4: 4 heterozygote(s), 0 homozygote(s)); Missense variant predicted to be damaging by in silico tool(s) or highly conserved with a major amino acid change. Additional information: Variant is predicted to result in a missense amino acid change from methionine to lysine; This variant is heterozygous; This gene is associated with both recessive and dominant disease. Monoallelic NMD-predicted variants are associated with spherocytosis, type 2 (MIM#616649; OMIM). Individuals with monoallelic truncating or missense variants in the tetramerisation domain are associated with elliptocytosis-3 (MIM#617948); however, when biallelic, are associated with anaemia, neonatal haemolytic, fatal or near-fatal (MIM#617948; OMIM); This variant has no previous evidence of pathogenicity; No published segregation evidence has been identified for this variant; No published functional evidence has been identified for this variant; No comparable missense variants have previous evidence for pathogenicity; Variant is located in the annotated spectrin repeat domain (DECIPHER); Loss of function is a known mechanism of disease in this gene and is associated with spherocytosis, type 2 (MIM#616649; PMID: 39521890). Missense and truncating variants located in the tetramerisation domain have been associated with elliptocytosis-3 (MIM#617948; PMID: 26830532), suggestive of a dominant negative mechanism; Variants in this gene are known to have variable expressivity. Biochemically affected individuals may appear clinically asymptomatic (OMIM); Inheritance information for this variant is not currently available in this individual.

Literature cited by the submitters: PubMed 26830532; PubMed 39521890.

NM_001355436.2(SPTB):c.5756T>A (p.Met1919Lys)

Gene: SPTB (spectrin beta, erythrocytic; minus strand). Cytogenetic location: 14q23.3.
Variant type: single nucleotide variant.
Coding change: c.5756T>A on transcript NM_001355436.2 (MANE Select); coding-DNA position 5756, T replaced by A.
Protein change: p.Met1919Lys; replaces methionine 1919 with lysine.
Molecular consequence: missense variant.
Genome position (GRCh38, 1-based): chr14:64,770,927, A>T on the plus strand (T>A on the coding strand, the complement: SPTB is on the minus strand). VCF-style: chr14-64770927-A-T. GRCh37 (hg19) VCF-style: chr14-65237645-A-T.
Other names: c.5756T>A, p.Met1919Lys (NM_001024858.4, NM_001355437.2); short protein forms M1919K.
Identifiers: ClinVar variation 4531486 (VCV004531486.1).